The following is an entry in ClinVar:

NM_001378454.1(ALMS1):c.5552A>G (p.Tyr1851Cys)

Gene: ALMS1 (ALMS1 centrosome and basal body associated protein; plus strand). Cytogenetic location: 2p13.1.
Variant type: single nucleotide variant.
Coding change: c.5552A>G on transcript NM_001378454.1 (MANE Select); coding-DNA position 5552, A replaced by G.
Protein change: p.Tyr1851Cys; replaces tyrosine 1851 with cysteine.
Molecular consequence: missense variant.
Genome position (GRCh38, 1-based): chr2:73,452,079, A>G. VCF-style: chr2-73452079-A-G. GRCh37 (hg19) VCF-style: chr2-73679206-A-G.
Other names: c.5555A>G, p.Tyr1852Cys (NM_015120.4); short protein forms Y1851C, Y1852C.
Identifiers: ClinVar variation 5000292 (VCV005000292.1).

ClinVar aggregate classification (germline): Uncertain significance (1 of 4 stars; one submission).

Conditions:
ALMS1-related disorder. Also called: ALMS1-related condition.

gnomAD v4.1: 1 of 1,614,072 alleles (0.000062%); highest among the groups gnomAD compares: Non-Finnish European, 0.000085%; no homozygotes.

Submission:

PreventionGenetics, part of Exact Sciences
Classification: Uncertain significance for ALMS1-related condition. Last evaluated: 2026-07-06. Review status: criteria provided, single submitter. Criteria: ACMG Guidelines, 2015. Collection method: clinical testing. Allele origin: germline.
Comment: The ALMS1 c.5555A>G variant is predicted to result in the amino acid substitution p.Gln1852Arg. To our knowledge, this variant has not been reported in the literature. This variant is reported in 0.0098% of alleles in individuals of South Asian descent in gnomAD. At this time, the clinical significance of this variant is uncertain due to the absence of conclusive functional and genetic evidence.